The following is an entry in ClinVar:

GRCh37/hg19 13q32.3-34(chr13:99421603-115107733)x3

Genes: ABHD13 (abhydrolase domain containing 13; plus strand), ADPRHL1 (ADP-ribosylhydrolase like 1; minus strand), ANKRD10 (ankyrin repeat domain 10; minus strand), ANKRD10-IT1 (ANKRD10 intronic transcript 1), ARGLU1 (arginine and glutamate rich 1; minus strand) and 64 more. Cytogenetic location: 13q32.3-34.
Variant type: copy number gain.
Change: copy number 3 (three copies instead of two) of chr13:99,421,603-115,107,733 (15.69 Mb, GRCh37 coordinates, 1-based), cytogenetic band 13q32.3-34.
Identifiers: ClinVar variation 1809298 (VCV001809298.1).

ClinVar aggregate classification (germline): Pathogenic (1 of 4 stars; one submission).

Submission:

Quest Diagnostics Nichols Institute San Juan Capistrano
Classification: Pathogenic. Last evaluated: 2021-10-06. Review status: criteria provided, single submitter. Criteria: ACMG/ClinGen CNV Guidelines, 2019. Collection method: clinical testing. Allele origin: unknown.
Comment: The copy number gain of 13q32.3qter involves numerous protein coding genes including COL4A1 (OMIM 120130), COL4A2 (OMIM 120090) and is expected to cause phenotypic and/or developmental abnormalities. A de novo heterozygous duplication of 13q32q34 was reported in a patient with developmental delay, seizures, mild dysmorphism, and hypotonia (Milani 2006). The authors reported absence of the cardinal features of trisomy 13, such as brain malformation, polydactyly, hernias, urogenital abnormalities, and hemangiomas, in their patient. Moreover, a smaller 8.1 Mb duplication at 13q33.2q34 including COL4A1 and COL4A2 was reported in an adult patient with periventricular leukoencephalopathy and cerebral small vessel disease (Renard 2014). Further, de novo supernumerary marker chromosomes (sSMCs), leading to gains of 13q32qter locus, are reported in patients with common manifestations including hemangioma, low set or abnormal ears, dysmorphic eyes and ophthalmologic diseases, developmental delay, intellectual disability, and facial dysmorphism (Liu 2013; Barwell 2004; Warburton 2000). This large duplication also includes multiple genes that are associated with autosomal dominant OMIM phenotype: ZIC2 (OMIM 609637), NALCN (OMIM 616266), FGF14 (OMIM 609307), IRS2 (OMIM 125853), COL4A1 (OMIMs 180000, 614519, 611773, 175780, and 618564), COL4A2(OMIMs 614519 and 614483), and CHAMP1 (OMIM 616579)._x000D__x000D_ Reference_x000D__x000D_ Barwell et al., Am J Med Genet A. 2004 Oct 15;130A(3):295-8. PMID: 15378552._x000D__x000D_ Liu et al., Birth Defects Res A Clin Mol Teratol. 2013 Dec;97(12):812-5. PMID: 24222317._x000D__x000D_ Milani et al., J Child Neurol. 2006 Dec;21(12):1084-5. PMID: 17156706. _x000D__x000D_ Renard et al., Neurology. 2014 Sep 9;83(11):1029-31. PMID: 25098541._x000D__x000D_ Warburton et al., Am J Hum Genet. 2000 Jun;66(6):1794-806. PMID: 10777715._x000D__x000D_